The following is an entry in ClinVar:

ClinVar aggregate classification (germline): Likely benign (1 of 4 stars; one submission).

Allele frequency attached by ClinVar (database versions not stated): 1000 Genomes Project 0.00220; 1000 Genomes Project 30x 0.00234; ESP Exome Variant Server 0.00269; ExAC 0.00325; gnomAD 0.00348; TOPMed 0.00352.
gnomAD v4.1: 6,830 of 1,613,430 alleles (0.42%); highest among the groups gnomAD compares: Middle Eastern, 1.4%; 29 homozygotes.

Submission:

CeGaT Center for Human Genetics Tuebingen
Classification: Likely benign. Last evaluated: 2024-01-01. Review status: criteria provided, single submitter. Criteria: CeGaT Center For Human Genetics Tuebingen Variant Classification Criteria Version 2. Collection method: clinical testing. Allele origin: germline. Affected: yes. Observed: 1 variant allele.
Comment: ENSG00000290217: BS2; SCGN: BP4, BP7, BS2

NM_006998.4(SCGN):c.381T>C (p.Ala127=)

Gene: SCGN (secretagogin, EF-hand calcium binding protein; plus strand). Cytogenetic location: 6p22.2.
Variant type: single nucleotide variant.
Coding change: c.381T>C on transcript NM_006998.4 (MANE Select); coding-DNA position 381, T replaced by C.
Protein change: p.Ala127=; no amino-acid change (alanine 127 retained).
Molecular consequence: synonymous variant.
Genome position (GRCh38, 1-based): chr6:25,669,555, T>C. VCF-style: chr6-25669555-T-C. GRCh37 (hg19) VCF-style: chr6-25669783-T-C.
Identifiers: ClinVar variation 3024824 (VCV003024824.22), dbSNP rs149172182, ClinGen allele CA3661335.